The following is an entry in ClinVar:

ClinVar aggregate classification (germline): Uncertain significance (1 of 4 stars; one submission).

Allele frequency attached by ClinVar (database versions not stated): ExAC 0.00001.

Submission:

GeneDx
Classification: Uncertain significance. Last evaluated: 2022-01-17. Review status: criteria provided, single submitter. Criteria: GeneDx Variant Classification Process June 2021. Collection method: clinical testing. Allele origin: germline. Affected: yes.
Comment: Not observed at significant frequency in large population cohorts (gnomAD); In silico analysis supports that this missense variant has a deleterious effect on protein structure/function; Has not been previously published as pathogenic or benign to our knowledge

NM_001366145.2(TRPM3):c.1325T>A (p.Ile442Asn)

Gene: TRPM3 (transient receptor potential cation channel subfamily M member 3; minus strand). Cytogenetic location: 9q21.12.
Variant type: single nucleotide variant.
Coding change: c.1325T>A on transcript NM_001366145.2 (MANE Select); coding-DNA position 1325, T replaced by A.
Protein change: p.Ile442Asn; replaces isoleucine 442 with asparagine.
Molecular consequence: missense variant.
Genome position (GRCh38, 1-based): chr9:70,681,526, A>T on the plus strand (T>A on the coding strand, the complement: TRPM3 is on the minus strand). VCF-style: chr9-70681526-A-T. GRCh37 (hg19) VCF-style: chr9-73296442-A-T.
Other names: c.1325T>A, p.Ile442Asn (NM_001007471.4, NM_001366146.2, NM_001366149.2 and 2 more transcripts); c.1331T>A, p.Ile444Asn (NM_001366141.2, NM_001366142.2, NM_001366143.2); c.1400T>A, p.Ile467Asn (NM_001366147.2, NM_001366148.2, NM_001366152.2); c.866T>A, p.Ile289Asn (NM_001366154.2, NM_020952.6, NM_024971.7 and 2 more transcripts); c.941T>A, p.Ile314Asn (NM_206946.5, NM_206947.5); short protein forms I289N, I314N, I442N, I444N, I467N.
Identifiers: ClinVar variation 1697024 (VCV001697024.2), dbSNP rs771422478, ClinGen allele CA5078612.